The following is an entry in ClinVar:

NM_206933.4(USH2A):c.6050-2A>G

Gene: USH2A (usherin; minus strand). Cytogenetic location: 1q41.
Variant type: single nucleotide variant.
Coding change: c.6050-2A>G on transcript NM_206933.4 (MANE Select); the canonical splice acceptor site of the intron before coding-DNA position 6050, A replaced by G.
Molecular consequence: splice acceptor variant.
Genome position (GRCh38, 1-based): chr1:216,048,649, T>C on the plus strand (A>G on the coding strand, the complement: USH2A is on the minus strand). VCF-style: chr1-216048649-T-C. GRCh37 (hg19) VCF-style: chr1-216221991-T-C.
Identifiers: ClinVar variation 554449 (VCV000554449.15), dbSNP rs772124060, ClinGen allele CA1395246.

ClinVar aggregate classification (germline): Pathogenic/Likely pathogenic. Review status: criteria provided, multiple submitters, no conflicts (2 of 4 stars). 7 submissions from 6 submitters: Pathogenic (1); Likely pathogenic (4). 2 of the submissions do not count toward it. Last evaluated 2024-02-13.

Conditions:
Usher syndrome type 2A. Also called: RETINAL DISEASE IN USHER SYNDROME TYPE IIA, MODIFIER OF; USHER SYNDROME, TYPE IIA. Identifiers: Orphanet 231178, Orphanet 886, MedGen C1848634, MONDO:0010169, OMIM 276901.
Retinitis pigmentosa 39 (RP39). Identifiers: Orphanet 791, MedGen C3151138, MONDO:0013436, OMIM 613809.
USH2A-related disorder. Also called: USH2A-related disorders; USH2A-related condition. Identifiers: MedGen CN239332.

Allele frequency attached by ClinVar (database versions not stated): gnomAD exomes below 0.00001 and 0.00003; ExAC 0.00001.
gnomAD v4.1: 50 of 1,613,350 alleles (0.0031%); highest among the groups gnomAD compares: Non-Finnish European, 0.0042%; no homozygotes.

Submissions (7):

Baylor Genetics
Classification: Likely pathogenic for Retinitis pigmentosa 39. Last evaluated: 2024-02-13. Review status: criteria provided, single submitter. Criteria: ACMG Guidelines, 2015. Collection method: clinical testing. Allele origin: unknown.

Labcorp Genetics (formerly Invitae), Labcorp
Classification: Pathogenic. Last evaluated: 2023-07-08. Review status: criteria provided, single submitter. Criteria: Invitae Variant Classification Sherloc (09022015). Collection method: clinical testing. Allele origin: germline.
Comment: For these reasons, this variant has been classified as Pathogenic. Algorithms developed to predict the effect of sequence changes on RNA splicing suggest that this variant may disrupt the consensus splice site. ClinVar contains an entry for this variant (Variation ID: 554449). Disruption of this splice site has been observed in individuals with retinitis pigmentosa (PMID: 28041643; Invitae). This variant is present in population databases (rs772124060, gnomAD 0.0009%). This sequence change affects an acceptor splice site in intron 30 of the USH2A gene. It is expected to disrupt RNA splicing. Variants that disrupt the donor or acceptor splice site typically lead to a loss of protein function (PMID: 16199547), and loss-of-function variants in USH2A are known to be pathogenic (PMID: 10729113, 10909849, 20507924, 25649381).

Genome-Nilou Lab
Classification: Likely pathogenic for Retinitis pigmentosa 39. Last evaluated: 2023-04-11. Review status: criteria provided, single submitter. Criteria: ACMG Guidelines, 2015. Collection method: clinical testing. Allele origin: germline. Affected: no.

Genome-Nilou Lab
Classification: Likely pathogenic for Usher syndrome type 2A. Last evaluated: 2023-04-11. Review status: criteria provided, single submitter. Criteria: ACMG Guidelines, 2015. Collection method: clinical testing. Allele origin: germline. Affected: no.

Blueprint Genetics
Classification: Likely pathogenic for USH2A-related disorders. Last evaluated: 2021-07-28. Review status: criteria provided, single submitter. Criteria: ACMG Guidelines, 2015. Collection method: clinical testing. Allele origin: germline. Affected: yes. Observed: 2 variant alleles.

Natera, Inc.
Classification: Likely pathogenic for Usher syndrome type 2A. Last evaluated: 2020-08-31. Review status: no assertion criteria provided. Collection method: clinical testing. Allele origin: germline. Not counted in ClinVar's aggregate classification.

Counsyl
Classification: Likely pathogenic for Usher syndrome type 2A; Retinitis pigmentosa 39. Last evaluated: 2017-10-19. Review status: no assertion criteria provided. Collection method: clinical testing. Allele origin: unknown. Not counted in ClinVar's aggregate classification.

Literature cited by the submitters: PubMed 28041643 (cited by Labcorp Genetics (formerly Invitae), Labcorp); PubMed 16199547 (cited by Labcorp Genetics (formerly Invitae), Labcorp); PubMed 10729113 (cited by Labcorp Genetics (formerly Invitae), Labcorp); PubMed 10909849 (cited by Labcorp Genetics (formerly Invitae), Labcorp); PubMed 20507924 (cited by Labcorp Genetics (formerly Invitae), Labcorp); PubMed 25649381 (cited by Labcorp Genetics (formerly Invitae), Labcorp).